The following is an entry in ClinVar:

NM_001122955.4(BSCL2):c.446C>G (p.Pro149Arg)

Genes: BSCL2 (BSCL2 lipid droplet biogenesis associated, seipin; minus strand), HNRNPUL2-BSCL2 (HNRNPUL2-BSCL2 readthrough (NMD candidate); minus strand). Cytogenetic location: 11q12.3.
Variant type: single nucleotide variant.
Coding change: c.446C>G on transcript NM_001122955.4 (MANE Select); coding-DNA position 446, C replaced by G.
Protein change: p.Pro149Arg; replaces proline 149 with arginine.
Molecular consequence: missense variant. On other transcripts: non-coding transcript variant (1).
Genome position (GRCh38, 1-based): chr11:62,702,508, G>C on the plus strand (C>G on the coding strand, the complement: BSCL2 is on the minus strand). VCF-style: chr11-62702508-G-C. GRCh37 (hg19) VCF-style: chr11-62469980-G-C.
Other names: c.254C>G, p.Pro85Arg (NM_001130702.2, NM_032667.6); c.446C>G, p.Pro149Arg (NM_001386027.1, NM_001386028.1); short protein forms P149R, P85R.
Identifiers: ClinVar variation 2500763 (VCV002500763.2), dbSNP rs2539174013, ClinGen allele CA380968475.

ClinVar aggregate classification (germline): Likely pathogenic (1 of 4 stars; one submission).

Conditions:
Developmental and epileptic encephalopathy. Identifiers: MedGen C5779964, MONDO:0100620.

Submission:

Victorian Clinical Genetics Services, Murdoch Childrens Research Institute
Classification: Likely pathogenic for Developmental and epileptic encephalopathy. Last evaluated: 2022-06-24. Review status: criteria provided, single submitter. Criteria: ACMG Guidelines, 2015. Collection method: clinical testing. Allele origin: germline. Inheritance: Autosomal dominant inheritance. Affected: yes.
Comment: Based on the classification scheme VCGS_Germline_v1.3.4, this variant is classified as Likely Pathogenic. Following criteria are met: 0103 - Loss of function and gain of function are known mechanisms of disease in this gene. Loss of function has been associated encephalopathy, progressive, with or without lipodystrophy (MIM#615924) and lipodystrophy, congenital generalized, type 2 (MIM#269700). A gain of function mechanism has been associated with neuropathy, distal hereditary motor, type VC (MIM#619112) and Silver spastic paraplegia syndrome (MIM#270685; PMID: 14981520). (I) 0108 - This gene is associated with both recessive and dominant disease. There is emerging evidence of a dominant form of epileptic encephalopathy associated with this gene (PMID: 31369919). (I) 0200 - Variant is predicted to result in a missense amino acid change from proline to arginine. (I) 0251 - This variant is heterozygous. (I) 0301 - Variant is absent from gnomAD (both v2 and v3). (SP) 0501 - Missense variant consistently predicted to be damaging by multiple in silico tools or highly conserved with a major amino acid change. (SP) 0604 - Variant is not located in an established domain, motif, hotspot or informative constraint region. (I) 0704 - Another variant type variant comparable to the one identified in this case has limited previous evidence for pathogenicity. An alternative missense change to alanine has been reported in an individual with early-onset epileptic encephalopathy (PMID: 35290466). The alanine change has also been reported in ClinVar as a VUS. A second alternative missense change to leucine has been reported in LOVD as a VUS. (SP) 0807 - This variant has no previous evidence of pathogenicity. (I) 0905 - No published segregation evidence has been identified for this variant. (I) 1007 - No published functional evidence has been identified for this variant. (SP) Legend: (SP) - Supporting pathogenic, (I) - Information, (SB) - Supporting benign

Literature cited by the submitters: PubMed 14981520; PubMed 31369919; PubMed 35290466.